The following is an entry in ClinVar:

ClinVar aggregate classification (germline): Uncertain significance (1 of 4 stars; one submission).

Conditions:
Developmental and epileptic encephalopathy, 34 (DEE34). Also called: Early infantile epileptic encephalopathy 34; SLC12A5-Related Epilepsy of Infancy with Migrating Focal Seizures. Identifiers: Orphanet 293181, MedGen C4225257, MONDO:0014718, OMIM 616645.

Allele frequency attached by ClinVar (database versions not stated): gnomAD 0.00001; gnomAD exomes 0.00001 and 0.00002; TOPMed 0.00001.
gnomAD v4.1: 9 of 1,609,428 alleles (0.00056%); highest among the groups gnomAD compares: Admixed American, 0.012%; no homozygotes.

Submission:

Labcorp Genetics (formerly Invitae), Labcorp
Classification: Uncertain significance for Developmental and epileptic encephalopathy, 34. Last evaluated: 2024-10-08. Review status: criteria provided, single submitter. Criteria: Invitae Variant Classification Sherloc (09022015). Collection method: clinical testing. Allele origin: germline.
Comment: This sequence change replaces histidine, which is basic and polar, with glutamine, which is neutral and polar, at codon 847 of the SLC12A5 protein (p.His847Gln). This variant is present in population databases (no rsID available, gnomAD 0.01%). This variant has not been reported in the literature in individuals affected with SLC12A5-related conditions. ClinVar contains an entry for this variant (Variation ID: 947432). Invitae Evidence Modeling of protein sequence and biophysical properties (such as structural, functional, and spatial information, amino acid conservation, physicochemical variation, residue mobility, and thermodynamic stability) indicates that this missense variant is not expected to disrupt SLC12A5 protein function with a negative predictive value of 80%. In summary, the available evidence is currently insufficient to determine the role of this variant in disease. Therefore, it has been classified as a Variant of Uncertain Significance.

NM_020708.5(SLC12A5):c.2541C>A (p.His847Gln)

Gene: SLC12A5 (solute carrier family 12 member 5; plus strand). Cytogenetic location: 20q13.12.
Variant type: single nucleotide variant.
Coding change: c.2541C>A on transcript NM_020708.5 (MANE Select); coding-DNA position 2541, C replaced by A.
Protein change: p.His847Gln; replaces histidine 847 with glutamine.
Molecular consequence: missense variant.
Genome position (GRCh38, 1-based): chr20:46,053,120, C>A. VCF-style: chr20-46053120-C-A. GRCh37 (hg19) VCF-style: chr20-44681759-C-A.
Other names: c.2610C>A, p.His870Gln (NM_001134771.2); short protein forms H847Q, H870Q.
Identifiers: ClinVar variation 947432 (VCV000947432.9), dbSNP rs1190180234, ClinGen allele CA409205455.